The following is an entry in ClinVar:

NM_014709.4(USP34):c.5460C>T (p.Leu1820=)

Gene: USP34 (ubiquitin specific peptidase 34; minus strand). Cytogenetic location: 2p15.
Variant type: single nucleotide variant.
Coding change: c.5460C>T on transcript NM_014709.4 (MANE Select); coding-DNA position 5460, C replaced by T.
Protein change: p.Leu1820=; no amino-acid change (leucine 1820 retained).
Molecular consequence: synonymous variant.
Genome position (GRCh38, 1-based): chr2:61,266,141, G>A on the plus strand (C>T on the coding strand, the complement: USP34 is on the minus strand). VCF-style: chr2-61266141-G-A. GRCh37 (hg19) VCF-style: chr2-61493276-G-A.
Identifiers: ClinVar variation 2650977 (VCV002650977.24), dbSNP rs1489403940, ClinGen allele CA426207665.

ClinVar aggregate classification (germline): Likely benign (1 of 4 stars; one submission).

gnomAD v4.1: 2 of 1,611,754 alleles (0.00012%); highest among the groups gnomAD compares: Non-Finnish European, 0.00017%; no homozygotes.

Submission:

CeGaT Center for Human Genetics Tuebingen
Classification: Likely benign. Last evaluated: 2023-01-01. Review status: criteria provided, single submitter. Criteria: CeGaT Center For Human Genetics Tuebingen Variant Classification Criteria Version 2. Collection method: clinical testing. Allele origin: germline. Affected: yes. Observed: 1 variant allele.
Comment: USP34: PM2:Supporting, BP4, BP7